The following is an entry in ClinVar:

ClinVar aggregate classification (germline): Likely pathogenic (1 of 4 stars; one submission).

Submission:

Dasa
Classification: Likely pathogenic. Last evaluated: 2024-07-16. Review status: criteria provided, single submitter. Criteria: DASA Assertion Criteria. Collection method: clinical testing. Allele origin: germline.
Comment: NM_001282225.2(ADA2):c.985del (p.Asp329Thrfs*13) is a frameshift variant in ADA2 predicted to alter the reading frame and introduce a premature termination codon and is predicted to result in an absent or altered protein product. Loss of function is an established disease mechanism for ADA2-associated disorders. Also, this variant is absent from population databases. Based on the currently available evidence, this variant is classified as likely pathogenic.

NM_001282225.2(ADA2):c.985del (p.Asp329fs)

Gene: ADA2 (adenosine deaminase 2; minus strand). Cytogenetic location: 22q11.1.
Variant type: Deletion.
Coding change: c.985del on transcript NM_001282225.2 (MANE Select); coding-DNA position 985, one base deleted (G; older notation c.985delG).
Protein change: p.Asp329fs; shifts the reading frame from aspartic acid 329.
Molecular consequence: frameshift variant.
Genome position (GRCh38, 1-based): chr22:17,188,435, C deleted on the plus strand (G on the coding strand, the reverse complement: ADA2 is on the minus strand); the first of 2 consecutive C bases (chr22:17,188,435-17,188,436); deleting either gives the same sequence. VCF-style (leftmost placement, unchanged base first): chr22-17188434-TC-T. GRCh37 (hg19) VCF-style: chr22-17669324-TC-T.
Other names: c.985del, p.Asp329fs (NM_001282226.2); c.859del, p.Asp287fs (NM_001282227.2, NM_001282228.2); c.625del, p.Asp209fs (NM_001282229.2); c.262del, p.Asp88fs (NM_177405.3); short protein forms D209fs, D287fs, D329fs, D88fs.
Identifiers: ClinVar variation 4856839 (VCV004856839.2).